The following is an entry in ClinVar:

NM_002336.3(LRP6):c.4547+4A>G

Gene: LRP6 (LDL receptor related protein 6; minus strand). Cytogenetic location: 12p13.2.
Variant type: single nucleotide variant.
Coding change: c.4547+4A>G on transcript NM_002336.3 (MANE Select); 4 bases into the intron after coding-DNA position 4547, A replaced by G.
Molecular consequence: intron variant.
Genome position (GRCh38, 1-based): chr12:12,124,561, T>C on the plus strand (A>G on the coding strand, the complement: LRP6 is on the minus strand). VCF-style: chr12-12124561-T-C. GRCh37 (hg19) VCF-style: chr12-12277495-T-C.
Other names: c.4547+4A>G (NM_001414245.1, NM_001414248.1, NM_001414249.1 and 1 more transcripts); c.4094+4A>G (NM_001414253.1, NM_001414252.1, NM_001414254.1); c.4349+4A>G (NM_001414247.1); c.4040+4A>G (NM_001414255.1); c.4184+4A>G (NM_001414251.1); c.4412+4A>G (NM_001414246.1); c.4640+4A>G (NM_001414244.1).
Identifiers: ClinVar variation 3603648 (VCV003603648.2).

ClinVar aggregate classification (germline): Uncertain significance (1 of 4 stars; one submission).

gnomAD v4.1: 19 of 1,585,432 alleles (0.0012%); highest among the groups gnomAD compares: Non-Finnish European, 0.0016%; no homozygotes.

Submission:

Labcorp Genetics (formerly Invitae), Labcorp
Classification: Uncertain significance. Last evaluated: 2024-08-29. Review status: criteria provided, single submitter. Criteria: Invitae Variant Classification Sherloc (09022015). Collection method: clinical testing. Allele origin: germline.
Comment: This sequence change falls in intron 22 of the LRP6 gene. It does not directly change the encoded amino acid sequence of the LRP6 protein. It affects a nucleotide within the consensus splice site. This variant is present in population databases (rs760422999, gnomAD 0.002%). This variant has not been reported in the literature in individuals affected with LRP6-related conditions. Variants that disrupt the consensus splice site are a relatively common cause of aberrant splicing (PMID: 17576681, 9536098). Algorithms developed to predict the effect of sequence changes on RNA splicing suggest that this variant is not likely to affect RNA splicing. In summary, the available evidence is currently insufficient to determine the role of this variant in disease. Therefore, it has been classified as a Variant of Uncertain Significance.

Literature cited by the submitters: PubMed 17576681; PubMed 9536098.